The following is an entry in ClinVar:

ClinVar aggregate classification (germline): Uncertain significance (1 of 4 stars; one submission).

Allele frequency attached by ClinVar (database versions not stated): gnomAD exomes 0.00001.

Submission:

Labcorp Genetics (formerly Invitae), Labcorp
Classification: Uncertain significance. Last evaluated: 2024-02-23. Review status: criteria provided, single submitter. Criteria: Invitae Variant Classification Sherloc (09022015). Collection method: clinical testing. Allele origin: germline.
Comment: This sequence change replaces aspartic acid, which is acidic and polar, with glutamic acid, which is acidic and polar, at codon 212 of the TNFAIP3 protein (p.Asp212Glu). This variant is not present in population databases (gnomAD no frequency). This variant has not been reported in the literature in individuals affected with TNFAIP3-related conditions. An algorithm developed to predict the effect of missense changes on protein structure and function (PolyPhen-2) suggests that this variant is likely to be disruptive. In summary, the available evidence is currently insufficient to determine the role of this variant in disease. Therefore, it has been classified as a Variant of Uncertain Significance.

NM_001270508.2(TNFAIP3):c.636C>A (p.Asp212Glu)

Genes: TNFAIP3 (TNF alpha induced protein 3; plus strand), LOC126859807 (MED14-independent group 3 enhancer GRCh37_chr6:138196296-138197495; plus strand). Cytogenetic location: 6q23.3.
Variant type: single nucleotide variant.
Coding change: c.636C>A on transcript NM_001270508.2 (MANE Select); coding-DNA position 636, C replaced by A.
Protein change: p.Asp212Glu; replaces aspartic acid 212 with glutamic acid.
Molecular consequence: missense variant.
Genome position (GRCh38, 1-based): chr6:137,875,997, C>A. VCF-style: chr6-137875997-C-A. GRCh37 (hg19) VCF-style: chr6-138197134-C-A.
Other names: c.636C>A, p.Asp212Glu (NM_001270507.2, NM_006290.4); short protein forms D212E.
Identifiers: ClinVar variation 2787763 (VCV002787763.3), dbSNP rs2114484581, ClinGen allele CA365783960.